The following is an entry in ClinVar:

NM_058216.3(RAD51C):c.449G>A (p.Gly150Glu)

Gene: RAD51C (RAD51 paralog C; plus strand). Cytogenetic location: 17q22.
Variant type: single nucleotide variant.
Coding change: c.449G>A on transcript NM_058216.3 (MANE Select); coding-DNA position 449, G replaced by A.
Protein change: p.Gly150Glu; replaces glycine 150 with glutamic acid.
Molecular consequence: missense variant.
Genome position (GRCh38, 1-based): chr17:58,696,737, G>A. VCF-style: chr17-58696737-G-A. GRCh37 (hg19) VCF-style: chr17-56774098-G-A.
Other names: p.G150E:GGA>GAA; c.449G>A (LRG_314t1); short protein forms G150E.
Identifiers: ClinVar variation 182839 (VCV000182839.8), dbSNP rs730881934, ClinGen allele CA299894.

ClinVar aggregate classification (germline): Conflicting classifications of pathogenicity. Review status: criteria provided, conflicting classifications (1 of 4 stars). 4 submissions from 4 submitters: Likely pathogenic (2); Uncertain significance (2). Last evaluated 2025-09-05.

Conditions:
Breast-ovarian cancer, familial, susceptibility to, 3. Also called: RAD51C-Related Breast/Ovarian Cancer. Identifiers: Orphanet 145, MedGen C3150659, MONDO:0013253, OMIM 613399.
Hereditary cancer-predisposing syndrome. Also called: Tumor predisposition; Hereditary Cancer Syndrome; Hereditary neoplastic syndrome; Neoplastic Syndromes, Hereditary. Identifiers: Orphanet 140162, MedGen C0027672, MeSH D009386, MONDO:0015356.
Fanconi anemia complementation group O. Also called: RAD51C-Related Fanconi Anemia. Identifiers: Orphanet 84, MedGen C3150653, MONDO:0013248, OMIM 613390.

Submissions (4):

Ambry Genetics
Classification: Likely pathogenic for Hereditary cancer-predisposing syndrome. Last evaluated: 2025-09-05. Review status: criteria provided, single submitter. Criteria: Ambry Variant Classification Scheme 2023. Collection method: clinical testing. Allele origin: germline.
Comment: The p.G150E variant (also known as c.449G>A), located in coding exon 3 of the RAD51C gene, results from a G to A substitution at nucleotide position 449. The glycine at codon 150 is replaced by glutamic acid, an amino acid with similar properties. This amino acid position is conserved. In multiple homology-directed DNA repair (HDR) assays, this alteration showed a functionally abnormal read-out (Hu C. et al Cancer Res 2023 Aug;83(15):2557-2571; Olvera-Le&oacute;n R et al Cell 2024 Oct;187(20):5719-5734.e19). This variant is considered to be rare based on population cohorts in the Genome Aggregation Database (gnomAD). In addition, this alteration is predicted to be deleterious by in silico analysis. Based on the majority of available evidence to date, this variant is likely to be pathogenic.

Labcorp Genetics (formerly Invitae), Labcorp
Classification: Uncertain significance for Fanconi anemia complementation group O. Last evaluated: 2024-12-10. Review status: criteria provided, single submitter. Criteria: Invitae Variant Classification Sherloc (09022015). Collection method: clinical testing. Allele origin: germline.
Comment: This sequence change replaces glycine, which is neutral and non-polar, with glutamic acid, which is acidic and polar, at codon 150 of the RAD51C protein (p.Gly150Glu). This variant is not present in population databases (gnomAD no frequency). This variant has not been reported in the literature in individuals affected with RAD51C-related conditions. ClinVar contains an entry for this variant (Variation ID: 182839). Invitae Evidence Modeling of protein sequence and biophysical properties (such as structural, functional, and spatial information, amino acid conservation, physicochemical variation, residue mobility, and thermodynamic stability) indicates that this missense variant is expected to disrupt RAD51C protein function with a positive predictive value of 80%. Experimental studies have shown that this missense change affects RAD51C function (PMID: 37253112). In summary, the available evidence is currently insufficient to determine the role of this variant in disease. Therefore, it has been classified as a Variant of Uncertain Significance.

Myriad Genetics, Inc.
Classification: Likely pathogenic for Breast-ovarian cancer, familial, susceptibility to, 3. Last evaluated: 2024-11-25. Review status: criteria provided, single submitter. Criteria: Myriad Autosomal Dominant, Autosomal Recessive and X-Linked Classification Criteria (2023). Collection method: clinical testing. Allele origin: unknown.
Comment: This variant is considered likely pathogenic. Functional studies indicate this variant impacts protein function [PMID: 39299233, 37253112]. This variant is expected to disrupt protein structure [Myriad internal data].

GeneDx
Classification: Uncertain significance. Last evaluated: 2014-09-08. Review status: criteria provided, single submitter. Criteria: GeneDx Variant Classification (06012015). Collection method: clinical testing. Allele origin: germline. Affected: yes.
Comment: This variant is denoted RAD51C c.449G>A at the cDNA level, p.Gly150Glu (G150E) at the protein level, and results in the change of a Glycine to a Glutamic Acid (GGA>GAA). This variant has not, to our knowledge, been published in the literature as pathogenic or benign. RAD51C Gly150Glu was not observed in approximately 6,500 individuals of European and African American ancestry in the NHLBI Exome Sequencing Project, indicating it is not a common benign variant in these populations. Since Glycine and Glutamic Acid differ in polarity, charge, size or other properties, this is considered a non-conservative amino acid substitution. RAD51C Gly150Glu occurs at a position that is highly conserved across species and is not located in a known functional domain (UniProt). In silico analyses predict that this variant is probably damaging to protein structure and function. Based on currently available information, it is unclear whether RAD51C Gly150Glu is pathogenic or benign. We consider it to be a variant of uncertain significance.

Literature cited by the submitters: PubMed 37253112 (cited by Labcorp Genetics (formerly Invitae), Labcorp and Myriad Genetics, Inc.); PubMed 39299233 (cited by Myriad Genetics, Inc.).